The following is an entry in ClinVar:

ClinVar aggregate classification (germline): Uncertain significance (1 of 4 stars; one submission).

Conditions:
Cardiomyopathy (CMYO). Also called: Cardiomyopathies. Identifiers: Orphanet 167848, MedGen C0878544, MONDO:0004994, HP:0001638. Inheritance: Various modes of inheritance.

gnomAD v4.1: 2 of 1,614,198 alleles (0.00012%); highest among the groups gnomAD compares: Non-Finnish European, 0.00017%; no homozygotes.

Submission:

All of Us Research Program, National Institutes of Health
Classification: Uncertain significance for Cardiomyopathy. Last evaluated: 2023-09-17. Review status: criteria provided, single submitter. Criteria: ACMG Guidelines, 2015. Collection method: clinical testing. Allele origin: germline. Inheritance: Autosomal dominant inheritance. Observed: 1 variant allele, 1 heterozygote.
Comment: This missense variant replaces aspartic acid with glutamic acid at codon 1798 of the MYH7 protein. Computational prediction suggests that this variant may not impact protein structure and function (internally defined REVEL score threshold <= 0.5, PMID: 27666373). To our knowledge, functional studies have not been reported for this variant. This variant has not been reported in individuals affected with MYH7-related disorders in the literature. This variant has not been identified in the general population by the Genome Aggregation Database (gnomAD). The available evidence is insufficient to determine the role of this variant in disease conclusively. Therefore, this variant is classified as a Variant of Uncertain Significance.

This study involves interpretation of variants in research participants for the purpose of population health screening. Participant phenotype was not available at the time of variant classification. Additional details can be found in publication PMID: 35346344, PMCID: PMC8962531

NM_000257.4(MYH7):c.5394C>A (p.Asp1798Glu)

Gene: MYH7 (myosin heavy chain 7; minus strand). Cytogenetic location: 14q11.2.
Variant type: single nucleotide variant.
Coding change: c.5394C>A on transcript NM_000257.4 (MANE Select); coding-DNA position 5394, C replaced by A.
Protein change: p.Asp1798Glu; replaces aspartic acid 1798 with glutamic acid.
Molecular consequence: missense variant.
Genome position (GRCh38, 1-based): chr14:23,415,160, G>T on the plus strand (C>A on the coding strand, the complement: MYH7 is on the minus strand). VCF-style: chr14-23415160-G-T. GRCh37 (hg19) VCF-style: chr14-23884369-G-T.
Other names: c.5394C>A, p.Asp1798Glu (NM_001407004.1); short protein forms D1798E.
Identifiers: ClinVar variation 3073411 (VCV003073411.1), dbSNP rs777053791, ClinGen allele CA389035619.
Genomic context (GRCh38, chr14:23,415,160, plus strand): 5'-CCGCGCTTCCAGCTTCTGCAGCTGCTTCTTGCCGCCCTTGAGGGCGATCTGCTCGGCTTC[G>T]TCCAGCCGGTGCTGCAGGTCCTTAATGGTCTGTTCCATGTTCTTCTTCATGCGCTCCAGG-3'
Protein context (NP_000248.2, residues 1788-1808): QTIKDLQHRL[Asp1798Glu]EAEQIALKGG